The following is an entry in ClinVar:

ClinVar aggregate classification (germline): Uncertain significance. Review status: criteria provided, multiple submitters, no conflicts (2 of 4 stars). 2 submissions from 2 submitters: Uncertain significance (2). Last evaluated 2026-02-24.

Conditions:
COL9A2-related disorder. Also called: COL9A2-related condition.

Allele frequency attached by ClinVar (database versions not stated): gnomAD exomes 0.00001; ExAC 0.00002; gnomAD 0.00002; TOPMed 0.00002.
gnomAD v4.1: 20 of 1,612,336 alleles (0.0012%); highest among the groups gnomAD compares: Non-Finnish European, 0.0014%; no homozygotes.

Submissions (2):

PreventionGenetics, part of Exact Sciences
Classification: Uncertain significance for COL9A2-related condition. Last evaluated: 2026-02-24. Review status: criteria provided, single submitter. Criteria: ACMG Guidelines, 2015. Collection method: clinical testing. Allele origin: germline.
Comment: The COL9A2 c.1951C>T variant is predicted to result in premature protein termination (p.Arg651*). To our knowledge, this variant has not been reported in the literature. This variant is reported in 0.0067% of alleles in individuals of African descent in gnomAD. This loss-of-function variant occurs within the last exon and may not result in nonsense mediated decay. Downstream causative loss-of-function variants have not been reported. At this time, the clinical significance of this variant is uncertain due to the absence of conclusive functional and genetic evidence.

Labcorp Genetics (formerly Invitae), Labcorp
Classification: Uncertain significance. Last evaluated: 2024-02-06. Review status: criteria provided, single submitter. Criteria: Invitae Variant Classification Sherloc (09022015). Collection method: clinical testing. Allele origin: germline.
Comment: This sequence change creates a premature translational stop signal (p.Arg651*) in the COL9A2 gene. While this is not anticipated to result in nonsense mediated decay, it is expected to disrupt the last 39 amino acid(s) of the COL9A2 protein. This variant is present in population databases (rs754234353, gnomAD 0.007%). This variant has not been reported in the literature in individuals affected with COL9A2-related conditions. ClinVar contains an entry for this variant (Variation ID: 2055389). Experimental studies and prediction algorithms are not available or were not evaluated, and the functional significance of this variant is currently unknown. In summary, the available evidence is currently insufficient to determine the role of this variant in disease. Therefore, it has been classified as a Variant of Uncertain Significance.

NM_001852.4(COL9A2):c.1951C>T (p.Arg651Ter)

Gene: COL9A2 (collagen type IX alpha 2 chain; minus strand). Cytogenetic location: 1p34.2.
Variant type: single nucleotide variant.
Coding change: c.1951C>T on transcript NM_001852.4 (MANE Select); coding-DNA position 1951, C replaced by T.
Protein change: p.Arg651Ter; replaces arginine 651 with a stop codon.
Molecular consequence: nonsense.
Genome position (GRCh38, 1-based): chr1:40,301,301, G>A on the plus strand (C>T on the coding strand, the complement: COL9A2 is on the minus strand). VCF-style: chr1-40301301-G-A. GRCh37 (hg19) VCF-style: chr1-40766973-G-A.
Other names: c.1951C>T (NM_001852.3); short protein forms R651*.
Identifiers: ClinVar variation 2055389 (VCV002055389.5), dbSNP rs754234353, ClinGen allele CA791271.